The following is an entry in ClinVar:

ClinVar aggregate classification (germline): Uncertain significance (1 of 4 stars; one submission).

gnomAD v4.1: 3 of 1,241,494 alleles (0.00024%); highest among the groups gnomAD compares: African/African-American, 0.0016%; no homozygotes.

Submission:

Labcorp Genetics (formerly Invitae), Labcorp
Classification: Uncertain significance. Last evaluated: 2025-07-29. Review status: criteria provided, single submitter. Criteria: Invitae Variant Classification Sherloc (09022015). Collection method: clinical testing. Allele origin: germline.
Comment: This sequence change replaces asparagine, which is neutral and polar, with aspartic acid, which is acidic and polar, at codon 567 of the ITSN2 protein (p.Asn567Asp). The frequency data for this variant in the population databases is considered unreliable, as metrics indicate poor data quality at this position in the gnomAD database. This variant has not been reported in the literature in individuals affected with ITSN2-related conditions. Experimental studies and prediction algorithms are not available or were not evaluated, and the functional significance of this variant is currently unknown. In summary, the available evidence is currently insufficient to determine the role of this variant in disease. Therefore, it has been classified as a Variant of Uncertain Significance.

NM_006277.3(ITSN2):c.1699A>G (p.Asn567Asp)

Gene: ITSN2 (intersectin 2; minus strand). Cytogenetic location: 2p23.3.
Variant type: single nucleotide variant.
Coding change: c.1699A>G on transcript NM_006277.3 (MANE Select); coding-DNA position 1699, A replaced by G.
Protein change: p.Asn567Asp; replaces asparagine 567 with aspartic acid.
Molecular consequence: missense variant.
Genome position (GRCh38, 1-based): chr2:24,293,712, T>C on the plus strand (A>G on the coding strand, the complement: ITSN2 is on the minus strand). VCF-style: chr2-24293712-T-C. GRCh37 (hg19) VCF-style: chr2-24516581-T-C.
Other names: c.1657A>G, p.Asn553Asp (NM_001348181.2, NM_001348184.2); c.1699A>G, p.Asn567Asp (NM_001348182.2, NM_001348183.2, NM_001348185.2 and 3 more transcripts); short protein forms N567D, N553D.
Identifiers: ClinVar variation 4751881 (VCV004751881.1).
Genomic context (GRCh38, chr2:24,293,712, plus strand): 5'-AGGATAAAAGTAATCAGACAAACCTTAGAGACTTACCAGGTGTGTTACTGAACTGCATGT[T>C]TTTAATTCTTTCATTTAATAATTGCTTCTCAGGTACCAGATAGATAAGCTTATTCTGATA-3'
Protein context (NP_006268.2, residues 557-577): EKQLLNERIK[Asn567Asp]MQFSNTPDSG